The following is an entry in ClinVar:

ClinVar aggregate classification (germline): Likely benign (1 of 4 stars; one submission).

Allele frequency attached by ClinVar (database versions not stated): 1000 Genomes Project 0.00200; 1000 Genomes Project 30x 0.00234.
gnomAD v4.1: 616 of 152,274 alleles (0.4%); highest among the groups gnomAD compares: Non-Finnish European, 0.67%; 2 homozygotes.

Submission:

CeGaT Center for Human Genetics Tuebingen
Classification: Likely benign. Last evaluated: 2026-08-01. Review status: criteria provided, single submitter. Criteria: CeGaT Center For Human Genetics Tuebingen Variant Classification Criteria Version 2. Collection method: clinical testing. Allele origin: germline. Affected: yes. Observed: 17 variant alleles.
Comment: COL4A1: BS1

NM_001845.6(COL4A1):c.144+5206C>T

Gene: COL4A1 (collagen type IV alpha 1 chain; minus strand). Cytogenetic location: 13q34.
Variant type: single nucleotide variant.
Coding change: c.144+5206C>T on transcript NM_001845.6 (MANE Select); 5206 bases into the intron after coding-DNA position 144, C replaced by T.
Molecular consequence: intron variant.
Genome position (GRCh38, 1-based): chr13:110,237,469, G>A on the plus strand (C>T on the coding strand, the complement: COL4A1 is on the minus strand). VCF-style: chr13-110237469-G-A. GRCh37 (hg19) VCF-style: chr13-110889816-G-A.
Other names: c.144+5206C>T (NM_001303110.2).
Identifiers: ClinVar variation 1879263 (VCV001879263.29), dbSNP rs117044970, ClinGen allele CA256255476.
Genomic context (GRCh38, chr13:110,237,469, plus strand): 5'-AGCAACAGCTGGAGATATATTTATGTCACGACTGCTGGGGTGGGGGTGCTCCTGGCATCC[G>A]ATGTGTAAAGGCTGGGATGCTGCTCGACATCCTACAATGGACAGGACAGACCCACAACCA-3'